The following is an entry in ClinVar:

ClinVar aggregate classification (germline): Uncertain significance (1 of 4 stars; one submission).

Submission:

GeneDx
Classification: Uncertain significance. Last evaluated: 2025-04-03. Review status: criteria provided, single submitter. Criteria: GeneDx Variant Classification Process June 2021. Collection method: clinical testing. Allele origin: germline. Affected: yes.
Comment: Not observed at significant frequency in large population cohorts (gnomAD); In silico analysis supports that this missense variant has a deleterious effect on protein structure/function; Has not been previously published as pathogenic or benign to our knowledge

NM_000937.5(POLR2A):c.5306A>G (p.Tyr1769Cys)

Gene: POLR2A (RNA polymerase II subunit A; plus strand). Cytogenetic location: 17p13.1.
Variant type: single nucleotide variant.
Coding change: c.5306A>G on transcript NM_000937.5 (MANE Select); coding-DNA position 5306, A replaced by G.
Protein change: p.Tyr1769Cys; replaces tyrosine 1769 with cysteine.
Molecular consequence: missense variant.
Genome position (GRCh38, 1-based): chr17:7,513,570, A>G. VCF-style: chr17-7513570-A-G. GRCh37 (hg19) VCF-style: chr17-7416889-A-G.
Other names: short protein forms Y1769C.
Identifiers: ClinVar variation 4282496 (VCV004282496.1).